The following is an entry in ClinVar:

NM_000156.6(GAMT):c.526del (p.Glu176fs)

Gene: GAMT (guanidinoacetate N-methyltransferase; minus strand). Cytogenetic location: 19p13.3.
Variant type: Deletion.
Coding change: c.526del on transcript NM_000156.6 (MANE Select); coding-DNA position 526, one base deleted (G; older notation c.526delG).
Protein change: p.Glu176fs; shifts the reading frame from glutamic acid 176.
Molecular consequence: frameshift variant.
Genome position (GRCh38, 1-based): chr19:1,398,960, C deleted on the plus strand (G on the coding strand, the reverse complement: GAMT is on the minus strand); the first of 6 consecutive C bases (chr19:1,398,960-1,398,965); deleting any one gives the same sequence. VCF-style (leftmost placement, unchanged base first): chr19-1398959-TC-T. GRCh37 (hg19) VCF-style: chr19-1398958-TC-T.
Other names: NM_000156.6(GAMT):c.526del; p.Glu176fs; c.526del, p.Glu176fs (NM_138924.3); short protein forms E176fs.
Identifiers: ClinVar variation 1067935 (VCV001067935.12), dbSNP rs2144636246, ClinGen allele CA2499225402.
Genomic context (GRCh38, chr19:1,398,959, plus strand): 5'-ACTTCAGGTGGGCGCACCTCAAACATGATGGTGATGTCTGAGTACTTGGACTTCATCAGC[TC>T]CCCCCAGGAGGTGAGGTTGCAGTAGGTGAGGACGCCCCCCGGCTTCAGCAGGCGAAAGGC-3'

ClinVar aggregate classification (germline): Likely pathogenic. Review status: reviewed by expert panel (3 of 4 stars). 3 submissions from 3 submitters: Likely pathogenic (1). 2 of the submissions do not count toward it. Last evaluated 2025-10-07.

Conditions:
Deficiency of guanidinoacetate methyltransferase (CCDS2). Also called: GAMT DEFICIENCY; CEREBRAL CREATINE DEFICIENCY SYNDROME 2; Guanidinoacetate Methyltransferase (GAMT) Deficiency. Identifiers: Orphanet 382, MedGen C0574080, MONDO:0012999, OMIM 612736.
Cerebral creatine deficiency syndrome. Also called: Creatine deficiency syndromes. Identifiers: Orphanet 79172, MedGen C5244016, MONDO:0000456.

Submissions (3):

ClinGen Cerebral Creatine Deficiency Syndromes Variant Curation Expert Panel, ClinGen
Classification: Likely pathogenic for Deficiency of guanidinoacetate methyltransferase. Last evaluated: 2025-10-07. Review status: reviewed by expert panel. Criteria: ClinGen CCDS ACMG Specifications GAMT V2.0.0. Collection method: curation. Allele origin: germline. Inheritance: Autosomal recessive inheritance.
Comment: The NM_000156.6:c.526del (p.Glu176SerfsTer2) variant in GAMT is a frameshift variant predicted to cause a premature stop codon in the last 50 nucleotides of the penultimate exon/the last exon of the gene and therefore to escape nonsense mediated decay. More than 10% of the protein is predicted to be removed (PVS1_Strong). This variant has been reported in one individual with GAMT deficiency who had elevated GAA and low creatine in plasma and in urine (PMID: 19288536) (PP4_Moderate). The highest population minor allele frequency in gnomAD v4.1.0. is 0.00002229 (1/44860 alleles) in the East Asian population, which is lower than the ClinGen CCDS VCEP’s threshold for PM2_Supporting (<0.0004), meeting this criterion (PM2_Supporting). There is a ClinVar entry for this variant (Variation ID: 1067935). In summary, this variant meets the criteria to be classified as likely pathogenic for GAMT deficiency based on the GAMT-specific ACMG/AMP criteria applied, as specified by the ClinGen Cerebral Creatine Deficiency Syndromes Variant Curation Expert Panel (Specifications Version 2.0.0): PVS1_Strong, PM2_Supporting, PP4_Moderate. (Classification approved by the ClinGen Cerebral Creatine Deficiency Syndromes Variant Curation Expert Panel on October 7, 2025)

Baylor Genetics
Classification: Pathogenic for Deficiency of guanidinoacetate methyltransferase. Last evaluated: 2024-02-17. Review status: criteria provided, single submitter. Criteria: ACMG Guidelines, 2015. Collection method: clinical testing. Allele origin: unknown. Not counted in ClinVar's aggregate classification.

Labcorp Genetics (formerly Invitae), Labcorp
Classification: Pathogenic for Cerebral creatine deficiency syndrome. Last evaluated: 2023-08-04. Review status: criteria provided, single submitter. Criteria: Invitae Variant Classification Sherloc (09022015). Collection method: clinical testing. Allele origin: germline. Not counted in ClinVar's aggregate classification.
Comment: ClinVar contains an entry for this variant (Variation ID: 1067935). For these reasons, this variant has been classified as Pathogenic. This variant disrupts a region of the GAMT protein in which other variant(s) (p.Gln193*) have been determined to be pathogenic (PMID: 23234264, 31130284). This suggests that this is a clinically significant region of the protein, and that variants that disrupt it are likely to be disease-causing. This premature translational stop signal has been observed in individual(s) with guanidinoacetate methyltransferase (GAMT) deficiency (PMID: 19288536). This variant is not present in population databases (gnomAD no frequency). This sequence change creates a premature translational stop signal (p.Glu176Serfs*2) in the GAMT gene. While this is not anticipated to result in nonsense mediated decay, it is expected to disrupt the last 61 amino acid(s) of the GAMT protein.

Literature cited by the submitters: PubMed 23234264 (cited by Labcorp Genetics (formerly Invitae), Labcorp); PubMed 31130284 (cited by Labcorp Genetics (formerly Invitae), Labcorp); PubMed 19288536 (cited by Labcorp Genetics (formerly Invitae), Labcorp).